The following is an entry in ClinVar:

NM_019888.3(MC3R):c.373T>C (p.Cys125Arg)

Gene: MC3R (melanocortin 3 receptor; plus strand). Cytogenetic location: 20q13.2.
Variant type: single nucleotide variant.
Coding change: c.373T>C on transcript NM_019888.3 (MANE Select); coding-DNA position 373, T replaced by C.
Protein change: p.Cys125Arg; replaces cysteine 125 with arginine.
Molecular consequence: missense variant.
Genome position (GRCh38, 1-based): chr20:56,249,216, T>C. VCF-style: chr20-56249216-T-C. GRCh37 (hg19) VCF-style: chr20-54824272-T-C.
Other names: short protein forms C125R.
Identifiers: ClinVar variation 4979885 (VCV004979885.1).
Genomic context (GRCh38, chr20:56,249,216, plus strand): 5'-TACCTGACCTTCGAGGACCAGTTTATCCAGCACATGGACAACATCTTCGACTCCATGATC[T>C]GCATCTCCCTGGTGGCCTCCATCTGCAACCTCCTGGCCATCGCCGTCGACAGGTACGTCA-3'
Protein context (NP_063941.3, residues 115-135): HMDNIFDSMI[Cys125Arg]ISLVASICNL

ClinVar aggregate classification (germline): Uncertain significance (1 of 4 stars; one submission).

Conditions:
MC3R-related disorder. Also called: MC3R-related condition.

Submission:

PreventionGenetics, part of Exact Sciences
Classification: Uncertain significance for MC3R-related condition. Last evaluated: 2025-06-10. Review status: criteria provided, single submitter. Criteria: ACMG Guidelines, 2015. Collection method: clinical testing. Allele origin: germline.
Comment: The MC3R c.373T>C variant is predicted to result in the amino acid substitution p.Cys125Arg. This variant has been reported in an individual with childhood onset obesity (Table S1, Šket et al. 2022. PubMed ID: 35574020). This variant has not been reported in a large population database (gnomAD), indicating this variant is rare. At this time, the clinical significance of this variant is uncertain due to the absence of conclusive functional and genetic evidence.